The following is an entry in ClinVar:

ClinVar aggregate classification (germline): Conflicting classifications of pathogenicity. Review status: criteria provided, conflicting classifications (1 of 4 stars). 9 submissions from 9 submitters: Uncertain significance (8); Benign (1). Last evaluated 2025-12-29.

Conditions:
Hereditary cancer-predisposing syndrome. Also called: Tumor predisposition; Hereditary Cancer Syndrome; Neoplastic Syndromes, Hereditary; Hereditary neoplastic syndrome. Identifiers: Orphanet 140162, MedGen C0027672, MeSH D009386, MONDO:0015356.
Familial adenomatous polyposis 2. Also called: MYH-associated polyposis; FAP type 2; ADENOMAS, MULTIPLE COLORECTAL, AUTOSOMAL RECESSIVE; MUTYH Polyposis; MUTYH-associated polyposis; MUTYH-related attenuated familial adenomatous polyposis. Identifiers: Orphanet 220460, Orphanet 247798, MedGen C3272841, MONDO:0012041, OMIM 608456.

Allele frequency attached by ClinVar (database versions not stated): TOPMed 0.00001.

Submissions (9):

Center for Genomic Medicine, Rigshospitalet, Copenhagen University Hospital
Classification: Uncertain significance. Last evaluated: 2025-12-29. Review status: criteria provided, single submitter. Criteria: ACMG Guidelines, 2015. Collection method: clinical testing. Allele origin: germline.

Ambry Genetics
Classification: Benign for Hereditary cancer-predisposing syndrome. Last evaluated: 2025-09-09. Review status: criteria provided, single submitter. Criteria: Ambry Variant Classification Scheme 2023. Collection method: clinical testing. Allele origin: germline.

Labcorp Genetics (formerly Invitae), Labcorp
Classification: Uncertain significance for Familial adenomatous polyposis 2. Last evaluated: 2025-05-28. Review status: criteria provided, single submitter. Criteria: Invitae Variant Classification Sherloc (09022015). Collection method: clinical testing. Allele origin: germline.
Comment: This sequence change replaces valine, which is neutral and non-polar, with isoleucine, which is neutral and non-polar, at codon 246 of the MUTYH protein (p.Val246Ile). This variant is present in population databases (rs587780749, gnomAD 0.003%). This variant has not been reported in the literature in individuals affected with MUTYH-related conditions. ClinVar contains an entry for this variant (Variation ID: 233479). An algorithm developed to predict the effect of missense changes on protein structure and function (PolyPhen-2) suggests that this variant is likely to be tolerated. This variant disrupts the p.Val246 amino acid residue in MUTYH. Other variant(s) that disrupt this residue have been determined to be pathogenic (PMID: 12606733, 15673720, 18534194, 19793053, 20687945). This suggests that this residue is clinically significant, and that variants that disrupt this residue are likely to be disease-causing. In summary, the available evidence is currently insufficient to determine the role of this variant in disease. Therefore, it has been classified as a Variant of Uncertain Significance.

Quest Diagnostics Nichols Institute San Juan Capistrano
Classification: Uncertain significance. Last evaluated: 2025-02-11. Review status: criteria provided, single submitter. Criteria: Quest Diagnostics criteria. Collection method: clinical testing. Allele origin: unknown.
Comment: The MUTYH c.736G>A (p.Val246Ile) variant has been reported in individuals with breast cancer as well as in reportedly healthy individuals (PMID: 33471991 (2021), see also LOVD). The frequency of this variant in the general population (Genome Aggregation Database) is uninformative in the assessment of its pathogenicity. Analysis of this variant using bioinformatics tools for the prediction of the effect of amino acid changes on protein structure and function yielded predictions that this variant is benign. Based on the available information, we are unable to determine the clinical significance of this variant.

All of Us Research Program, National Institutes of Health
Classification: Uncertain significance for Familial adenomatous polyposis 2. Last evaluated: 2024-05-30. Review status: criteria provided, single submitter. Criteria: ACMG Guidelines, 2015. Collection method: clinical testing. Allele origin: germline. Inheritance: Autosomal recessive inheritance. Observed: 4 variant alleles, 4 heterozygotes.
Comment: This missense variant replaces valine with isoleucine at codon 246 of the MUTYH protein. Computational prediction suggests that this variant may not impact protein structure and function (internally defined REVEL score threshold <= 0.5, PMID: 27666373). To our knowledge, functional studies have not been reported for this variant. This variant has not been reported in individuals affected with MUTYH-related disorders in the literature. This variant has been identified in 2/250286 chromosomes in the general population by the Genome Aggregation Database (gnomAD). The available evidence is insufficient to determine the role of this variant in disease conclusively. Therefore, this variant is classified as a Variant of Uncertain Significance.

This study involves interpretation of variants in research participants for the purpose of population health screening. Participant phenotype was not available at the time of variant classification. Additional details can be found in publication PMID: 35346344, PMCID: PMC8962531

Color Diagnostics, LLC DBA Color Health
Classification: Uncertain significance for Hereditary cancer-predisposing syndrome. Last evaluated: 2023-06-01. Review status: criteria provided, single submitter. Criteria: ACMG Guidelines, 2015. Collection method: clinical testing. Allele origin: germline.
Comment: This missense variant replaces valine with isoleucine at codon 246 of the MUTYH protein. Computational prediction suggests that this variant may not impact protein structure and function (internally defined REVEL score threshold <= 0.5, PMID: 27666373). To our knowledge, functional studies have not been reported for this variant. This variant has not been reported in individuals affected with MUTYH-related disorders in the literature. This variant has been identified in 2/250286 chromosomes in the general population by the Genome Aggregation Database (gnomAD). The available evidence is insufficient to determine the role of this variant in disease conclusively. Therefore, this variant is classified as a Variant of Uncertain Significance.

Institute for Clinical Genetics, University Hospital TU Dresden, University Hospital TU Dresden
Classification: Uncertain significance. Last evaluated: 2021-11-03. Review status: criteria provided, single submitter. Criteria: ACMG Guidelines, 2015. Collection method: clinical testing. Allele origin: germline.

Women's Health and Genetics/Laboratory Corporation of America, LabCorp
Classification: Uncertain significance. Last evaluated: 2021-07-26. Review status: criteria provided, single submitter. Criteria: LabCorp Variant Classification Summary - May 2015. Collection method: clinical testing. Allele origin: germline.
Comment: Variant summary: MUTYH c.736G>A (p.Val246Ile) results in a conservative amino acid change located in the HhH-GPD domain (IPR003265) of the encoded protein sequence. Three of five in-silico tools predict a benign effect of the variant on protein function. The variant allele was found at a frequency of 8e-06 in 250286 control chromosomes (gnomAD). The available data on variant occurrences in the general population are insufficient to allow any conclusion about variant significance. To our knowledge, no occurrence of c.736G>A in individuals affected with MUTYH-Associated Polyposis and no experimental evidence demonstrating its impact on protein function have been reported. Four ClinVar submitters (evaluation after 2014) cite the variant as uncertain significance. Based on the evidence outlined above, the variant was classified as uncertain significance.

GeneDx
Classification: Uncertain significance. Last evaluated: 2018-06-26. Review status: criteria provided, single submitter. Criteria: GeneDx Variant Classification (06012015). Collection method: clinical testing. Allele origin: germline. Affected: yes.
Comment: This variant is denoted MUTYH c.736G>A at the cDNA level, p.Val246Ile (V246I) at the protein level, and results in the change of a Valine to an Isoleucine (GTC>ATC). This variant has not, to our knowledge, been published in the literature as pathogenic or benign. MUTYH Val246Ile was not observed at a significant allele frequency in large population cohorts (Lek 2016). This variant is located in the MSH6 binding domain (Ruggieri 2013). In silico analysis, which includes protein predictors and evolutionary conservation, supports that this variant does not alter protein structure/function. Based on currently available evidence, it is unclear whether MUTYH Val246Ile is a pathogenic or benign variant. We consider it to be a variant of uncertain significance. Of note, MUTYH-Associated Polyposis (MAP) is a recessive condition associated with two MUTYH pathogenic variants on opposite chromosomes.

Literature cited by the submitters: PubMed 40738107 (cited by Ambry Genetics); PubMed 12606733 (cited by Labcorp Genetics (formerly Invitae), Labcorp); PubMed 15673720 (cited by Labcorp Genetics (formerly Invitae), Labcorp); PubMed 18534194 (cited by Labcorp Genetics (formerly Invitae), Labcorp); PubMed 19793053 (cited by Labcorp Genetics (formerly Invitae), Labcorp); PubMed 20687945 (cited by Labcorp Genetics (formerly Invitae), Labcorp); PubMed 33471991 (cited by Quest Diagnostics Nichols Institute San Juan Capistrano).

NM_001048174.2(MUTYH):c.652G>A (p.Val218Ile)

Gene: MUTYH (mutY DNA glycosylase; minus strand). Cytogenetic location: 1p34.1.
Variant type: single nucleotide variant.
Coding change: c.652G>A on transcript NM_001048174.2 (MANE Select); coding-DNA position 652, G replaced by A.
Protein change: p.Val218Ile; replaces valine 218 with isoleucine.
Molecular consequence: missense variant. On other transcripts: non-coding transcript variant (2).
Genome position (GRCh38, 1-based): chr1:45,332,443, C>T on the plus strand (G>A on the coding strand, the complement: MUTYH is on the minus strand). VCF-style: chr1-45332443-C-T. GRCh37 (hg19) VCF-style: chr1-45798115-C-T.
Other names: c.652G>A, p.Val218Ile (NM_001048171.2, NM_001048173.2, NM_001293195.2); c.655G>A, p.Val219Ile (NM_001048172.2); c.736G>A, p.Val246Ile (NM_001128425.2); c.697G>A, p.Val233Ile (NM_001293190.2); c.685G>A, p.Val229Ile (NM_001293191.2); c.376G>A, p.Val126Ile (NM_001293192.2, NM_001293196.2); c.307G>A, p.Val103Ile (NM_001350650.2, NM_001350651.2); c.727G>A, p.Val243Ile (NM_012222.3); short protein forms V246I, V126I, V243I, V103I, V219I, V229I, V218I, V233I.
Identifiers: ClinVar variation 233479 (VCV000233479.35), dbSNP rs587780749, ClinGen allele CA058920.